The following is an entry in ClinVar:

NM_006073.4(TRDN):c.314G>A (p.Gly105Asp)

Gene: TRDN (triadin; minus strand). Cytogenetic location: 6q22.31.
Variant type: single nucleotide variant.
Coding change: c.314G>A on transcript NM_006073.4 (MANE Select); coding-DNA position 314, G replaced by A.
Protein change: p.Gly105Asp; replaces glycine 105 with aspartic acid.
Molecular consequence: missense variant.
Genome position (GRCh38, 1-based): chr6:123,548,531, C>T on the plus strand (G>A on the coding strand, the complement: TRDN is on the minus strand). VCF-style: chr6-123548531-C-T. GRCh37 (hg19) VCF-style: chr6-123869676-C-T.
Other names: c.314G>A, p.Gly105Asp (NM_001256022.2, NM_001407315.1, NM_001251987.2 and 2 more transcripts); short protein forms G105D.
Identifiers: ClinVar variation 4282356 (VCV004282356.1).

ClinVar aggregate classification (germline): Uncertain significance (1 of 4 stars; one submission).

gnomAD v4.1: 1 of 1,577,618 alleles (0.000063%); highest among the groups gnomAD compares: Non-Finnish European, 0.000086%; no homozygotes.

Submission:

GeneDx
Classification: Uncertain significance. Last evaluated: 2025-04-14. Review status: criteria provided, single submitter. Criteria: GeneDx Variant Classification Process June 2021. Collection method: clinical testing. Allele origin: germline. Affected: yes.
Comment: Not observed at significant frequency in large population cohorts (gnomAD); In silico analysis supports that this missense variant has a deleterious effect on protein structure/function; Has not been previously published as pathogenic or benign to our knowledge